The following is an entry in ClinVar:

ClinVar aggregate classification (germline): Uncertain significance (1 of 4 stars; one submission).

Submission:

Labcorp Genetics (formerly Invitae), Labcorp
Classification: Uncertain significance. Last evaluated: 2025-02-24. Review status: criteria provided, single submitter. Criteria: Invitae Variant Classification Sherloc (09022015). Collection method: clinical testing. Allele origin: germline.
Comment: This sequence change replaces glutamic acid, which is acidic and polar, with lysine, which is basic and polar, at codon 362 of the MNX1 protein (p.Glu362Lys). This variant is present in population databases (no rsID available, gnomAD 0.03%). This variant has not been reported in the literature in individuals affected with MNX1-related conditions. An algorithm developed to predict the effect of missense changes on protein structure and function (PolyPhen-2) suggests that this variant is likely to be tolerated. In summary, the available evidence is currently insufficient to determine the role of this variant in disease. Therefore, it has been classified as a Variant of Uncertain Significance.

NM_005515.4(MNX1):c.1084G>A (p.Glu362Lys)

Gene: MNX1 (motor neuron and pancreas homeobox 1; minus strand). Cytogenetic location: 7q36.3.
Variant type: single nucleotide variant.
Coding change: c.1084G>A on transcript NM_005515.4 (MANE Select); coding-DNA position 1084, G replaced by A.
Protein change: p.Glu362Lys; replaces glutamic acid 362 with lysine.
Molecular consequence: missense variant.
Genome position (GRCh38, 1-based): chr7:157,005,642, C>T on the plus strand (G>A on the coding strand, the complement: MNX1 is on the minus strand). VCF-style: chr7-157005642-C-T. GRCh37 (hg19) VCF-style: chr7-156798336-C-T.
Other names: c.448G>A, p.Glu150Lys (NM_001165255.2); short protein forms E362K, E150K.
Identifiers: ClinVar variation 4778894 (VCV004778894.1).